The following is an entry in ClinVar:

NM_002049.4(GATA1):c.976G>A (p.Ala326Thr)

Gene: GATA1 (GATA binding protein 1; plus strand). Cytogenetic location: Xp11.23.
Variant type: single nucleotide variant.
Coding change: c.976G>A on transcript NM_002049.4 (MANE Select); coding-DNA position 976, G replaced by A.
Protein change: p.Ala326Thr; replaces alanine 326 with threonine.
Molecular consequence: missense variant.
Genome position (GRCh38, 1-based): chrX:48,793,898, G>A. VCF-style: chrX-48793898-G-A. GRCh37 (hg19) VCF-style: chrX-48652305-G-A.
Other names: short protein forms A326T.
Identifiers: ClinVar variation 2160698 (VCV002160698.4), dbSNP rs2519346539, ClinGen allele CA412871683.

ClinVar aggregate classification (germline): Uncertain significance (1 of 4 stars; one submission).

Conditions:
GATA binding protein 1 related thrombocytopenia with dyserythropoiesis. Also called: GATA1-Related X-Linked Cytopenia; GATA1-Related Cytopenia. Identifiers: MedGen C1845837, MONDO:0100089.
Diamond-Blackfan anemia. Also called: Blackfan Diamond syndrome; Aregenerative anemia chronic congenital; Red cell aplasia, pure hereditary; Congenital hypoplastic anemia; Aase syndrome. Identifiers: Orphanet 124, MedGen C1260899, MeSH D029503, MONDO:0015253, HP:0004810.

Allele frequency attached by ClinVar (database versions not stated): gnomAD exomes below 0.00001.

Submission:

Labcorp Genetics (formerly Invitae), Labcorp
Classification: Uncertain significance for GATA binding protein 1 related thrombocytopenia with dyserythropoiesis; Diamond-Blackfan anemia. Last evaluated: 2024-04-29. Review status: criteria provided, single submitter. Criteria: Invitae Variant Classification Sherloc (09022015). Collection method: clinical testing. Allele origin: germline.
Comment: This sequence change replaces alanine, which is neutral and non-polar, with threonine, which is neutral and polar, at codon 326 of the GATA1 protein (p.Ala326Thr). This variant is not present in population databases (gnomAD no frequency). This variant has not been reported in the literature in individuals affected with GATA1-related conditions. ClinVar contains an entry for this variant (Variation ID: 2160698). Advanced modeling of protein sequence and biophysical properties (such as structural, functional, and spatial information, amino acid conservation, physicochemical variation, residue mobility, and thermodynamic stability) performed at Invitae indicates that this missense variant is not expected to disrupt GATA1 protein function with a negative predictive value of 80%. In summary, the available evidence is currently insufficient to determine the role of this variant in disease. Therefore, it has been classified as a Variant of Uncertain Significance.